The following is an entry in ClinVar:

ClinVar aggregate classification (germline): Uncertain significance (1 of 4 stars; one submission).

Submission:

Labcorp Genetics (formerly Invitae), Labcorp
Classification: Uncertain significance. Last evaluated: 2024-01-17. Review status: criteria provided, single submitter. Criteria: Invitae Variant Classification Sherloc (09022015). Collection method: clinical testing. Allele origin: germline.
Comment: This variant, c.1098_1109dup, results in the insertion of 4 amino acid(s) of the HEPACAM protein (p.Arg367_Ala370dup), but otherwise preserves the integrity of the reading frame. This variant is not present in population databases (gnomAD no frequency). This variant has not been reported in the literature in individuals affected with HEPACAM-related conditions. In summary, the available evidence is currently insufficient to determine the role of this variant in disease. Therefore, it has been classified as a Variant of Uncertain Significance.

NM_152722.5(HEPACAM):c.1086GCGCTCCCCAGC[3] (p.Ala370_Thr371insArgSerProAla)

Gene: HEPACAM (hepatic and glial cell adhesion molecule; minus strand). Cytogenetic location: 11q24.2.
Variant type: Microsatellite.
Coding change: c.1086GCGCTCCCCAGC[3] on transcript NM_152722.5 (MANE Select); three copies in a row of the 12-base unit GCGCTCCCCAGC starting at c.1086; the reference has two copies in a row; one copy, 12 bases duplicated.
Protein change: p.Ala370_Thr371insArgSerProAla.
Molecular consequence: inframe insertion.
Genome position (GRCh38, 1-based): chr11:124,921,280-124,921,291, GCTGGGGAGCGC duplicated on the plus strand (GCGCTCCCCAGC on the coding strand, the reverse complement: HEPACAM is on the minus strand); duplicating any 12 consecutive bases within chr11:124,921,280-124,921,304 gives the same sequence; the position shown is the placement nearest the transcript's 3' end. VCF-style (leftmost placement, unchanged base first): chr11-124921279-G-GGCTGGGGAGCGC. GRCh37 (hg19) VCF-style: chr11-124791175-G-GGCTGGGGAGCGC.
Other names: c.1242GCGCTCCCCAGC[3], p.Ala422_Thr423insArgSerProAla (NM_001411043.1).
Identifiers: ClinVar variation 2992951 (VCV002992951.3), dbSNP rs984791128, ClinGen allele CA672894927.